The following is an entry in ClinVar:

ClinVar aggregate classification (germline): Likely benign. Review status: criteria provided, multiple submitters, no conflicts (2 of 4 stars). 2 submissions from 2 submitters: Likely benign (2). Last evaluated 2025-09-19.

Allele frequency attached by ClinVar (database versions not stated): ExAC 0.00014; gnomAD exomes 0.00014; ESP Exome Variant Server 0.00038; 1000 Genomes Project 30x 0.00047; TOPMed 0.00047; 1000 Genomes Project 0.00060.
gnomAD v4.1: 163 of 1,614,094 alleles (0.01%); highest among the groups gnomAD compares: African/African-American, 0.19%; no homozygotes.

Submissions (2):

Labcorp Genetics (formerly Invitae), Labcorp
Classification: Likely benign. Last evaluated: 2025-09-19. Review status: criteria provided, single submitter. Criteria: Invitae Variant Classification Sherloc (09022015). Collection method: clinical testing. Allele origin: germline.

GeneDx
Classification: Likely benign. Last evaluated: 2017-02-17. Review status: criteria provided, single submitter. Criteria: GeneDx Variant Classification (06012015). Collection method: clinical testing. Allele origin: germline. Affected: yes.
Comment: This variant is considered likely benign or benign based on one or more of the following criteria: it is a conservative change, it occurs at a poorly conserved position in the protein, it is predicted to be benign by multiple in silico algorithms, and/or has population frequency not consistent with disease.

NM_001291303.3(FAT4):c.7131A>G (p.Ala2377=)

Gene: FAT4 (FAT atypical cadherin 4; plus strand). Cytogenetic location: 4q28.1.
Variant type: single nucleotide variant.
Coding change: c.7131A>G on transcript NM_001291303.3 (MANE Select); coding-DNA position 7131, A replaced by G.
Protein change: p.Ala2377=; no amino-acid change (alanine 2377 retained).
Molecular consequence: synonymous variant.
Genome position (GRCh38, 1-based): chr4:125,434,357, A>G. VCF-style: chr4-125434357-A-G. GRCh37 (hg19) VCF-style: chr4-126355512-A-G.
Other names: c.7131A>G, p.Ala2377= (NM_001291285.3, NM_024582.6).
Identifiers: ClinVar variation 384881 (VCV000384881.6), dbSNP rs138403046, ClinGen allele CA3073099.
Genomic context (GRCh38, chr4:125,434,357, plus strand): 5'-CAATGACAATGTCCCCACATTTGCCAGTAAAGCGTATTTCACAACAATTCCTGAGGATGC[A>G]CCAACTGGAACAGATGTTTTATTGGTAAATGCCTCAGATGCTGATGCTTCAAAGAATGCA-3'
Protein context (NP_001278232.1, residues 2367-2387): KAYFTTIPED[Ala2377=]PTGTDVLLVN